The following is an entry in ClinVar:

ClinVar aggregate classification (germline): Uncertain significance. Review status: criteria provided, multiple submitters, no conflicts (2 of 4 stars). 2 submissions from 2 submitters: Uncertain significance (2). Last evaluated 2026-03-09.

Conditions:
GNS-related disorder. Also called: GNS-related condition.
Mucopolysaccharidosis, MPS-III-D (MPS3D). Also called: N-ACETYLGLUCOSAMINE-6-SULFATASE DEFICIENCY; SANFILIPPO SYNDROME D; MPS III D; Mucopoly-saccharidosis type 3D; N-acetylglucosamine-6-sulfate sulfatase deficiency; MPS 3D. Identifiers: Orphanet 581, Orphanet 79272, MedGen C0086650, MONDO:0009658, OMIM 252940.

Allele frequency attached by ClinVar (database versions not stated): TOPMed below 0.00001; gnomAD 0.00001; gnomAD exomes 0.00001.
gnomAD v4.1: 19 of 1,611,428 alleles (0.0012%); highest among the groups gnomAD compares: African/African-American, 0.0027%; no homozygotes.

Submissions (2):

PreventionGenetics, part of Exact Sciences
Classification: Uncertain significance for GNS-related condition. Last evaluated: 2026-03-09. Review status: criteria provided, single submitter. Criteria: ACMG Guidelines, 2015. Collection method: clinical testing. Allele origin: germline.
Comment: The GNS c.1229C>T variant is predicted to result in the amino acid substitution p.Ser410Leu. To our knowledge, this variant has not been reported in the literature. This variant is reported in 0.011% of alleles in individuals of African descent in gnomAD. At this time, the clinical significance of this variant is uncertain due to the absence of conclusive functional and genetic evidence.

Labcorp Genetics (formerly Invitae), Labcorp
Classification: Uncertain significance for Mucopolysaccharidosis, MPS-III-D. Last evaluated: 2022-06-19. Review status: criteria provided, single submitter. Criteria: Invitae Variant Classification Sherloc (09022015). Collection method: clinical testing. Allele origin: germline.
Comment: This sequence change replaces serine, which is neutral and polar, with leucine, which is neutral and non-polar, at codon 410 of the GNS protein (p.Ser410Leu). This variant is present in population databases (no rsID available, gnomAD 0.01%). This variant has not been reported in the literature in individuals affected with GNS-related conditions. Algorithms developed to predict the effect of missense changes on protein structure and function (SIFT, PolyPhen-2, Align-GVGD) all suggest that this variant is likely to be tolerated. In summary, the available evidence is currently insufficient to determine the role of this variant in disease. Therefore, it has been classified as a Variant of Uncertain Significance.

NM_002076.4(GNS):c.1229C>T (p.Ser410Leu)

Gene: GNS (glucosamine (N-acetyl)-6-sulfatase; minus strand). Cytogenetic location: 12q14.3.
Variant type: single nucleotide variant.
Coding change: c.1229C>T on transcript NM_002076.4 (MANE Select); coding-DNA position 1229, C replaced by T.
Protein change: p.Ser410Leu; replaces serine 410 with leucine.
Molecular consequence: missense variant.
Genome position (GRCh38, 1-based): chr12:64,723,085, G>A on the plus strand (C>T on the coding strand, the complement: GNS is on the minus strand). VCF-style: chr12-64723085-G-A. GRCh37 (hg19) VCF-style: chr12-65116865-G-A.
Other names: c.1229C>T (NM_002076.3); short protein forms S410L.
Identifiers: ClinVar variation 2156136 (VCV002156136.2), dbSNP rs1206806524, ClinGen allele CA385603298.
Genomic context (GRCh38, chr12:64,723,085, plus strand): 5'-GAAGGGCATGTTGGGTCAGTGACGTTACGGCCTTCTCCTTGGTATTCCACCAGGACATCT[G>A]ATCGCCAGGTCAAGTTACTGGCACCTCTCTAGAAAGAAGAGCAAGTGGAATTTCTGTGAT-3'
Protein context (NP_002067.1, residues 400-420): LRGASNLTWR[Ser410Leu]DVLVEYQGEG